The following is an entry in ClinVar:

NM_138694.4(PKHD1):c.5155dup (p.Tyr1719fs)

Genes: PKHD1 (PKHD1 ciliary IPT domain containing fibrocystin/polyductin; minus strand), LOC126859690 (MED14-independent group 3 enhancer GRCh37_chr6:51888848-51890047; plus strand). Cytogenetic location: 6p12.2.
Variant type: Duplication.
Coding change: c.5155dup on transcript NM_138694.4 (MANE Select); coding-DNA position 5155, one base duplicated (T; older notation c.5155dupT).
Protein change: p.Tyr1719fs; shifts the reading frame from tyrosine 1719.
Molecular consequence: frameshift variant.
Genome position (GRCh38, 1-based): chr6:52,024,655, A duplicated on the plus strand (T on the coding strand, the reverse complement: PKHD1 is on the minus strand). VCF-style (leftmost placement, unchanged base first): chr6-52024654-T-TA. GRCh37 (hg19) VCF-style: chr6-51889452-T-TA.
Other names: c.5155dup, p.Tyr1719fs (NM_170724.3); short protein forms Y1719fs.
Identifiers: ClinVar variation 2718270 (VCV002718270.3), dbSNP rs2532685954, ClinGen allele CA2697553413.
Genomic context (GRCh38, chr6:52,024,654, plus strand): 5'-GTAATAATAACTCTTGAGGTGAACACCAGGGCAGATGAGGCCCACCCTCTGATGCAGTCA[T>TA]AGCCTCTGACGTGGTACTCCCCGGCCGGAAGGGAAGGGACCACGCACTGAAGAACGGTGT-3'

ClinVar aggregate classification (germline): Pathogenic (1 of 4 stars; one submission).

Conditions:
Autosomal recessive polycystic kidney disease (ARPKD). Also called: AR polycystic kidney disease. Identifiers: Orphanet 731, Orphanet 8378, MedGen C0085548, MeSH D017044, MONDO:0009889.

Submission:

Labcorp Genetics (formerly Invitae), Labcorp
Classification: Pathogenic for Autosomal recessive polycystic kidney disease. Last evaluated: 2023-06-17. Review status: criteria provided, single submitter. Criteria: Invitae Variant Classification Sherloc (09022015). Collection method: clinical testing. Allele origin: germline.
Comment: For these reasons, this variant has been classified as Pathogenic. This variant has not been reported in the literature in individuals affected with PKHD1-related conditions. This variant is not present in population databases (gnomAD no frequency). This sequence change creates a premature translational stop signal (p.Tyr1719Leufs*2) in the PKHD1 gene. It is expected to result in an absent or disrupted protein product. Loss-of-function variants in PKHD1 are known to be pathogenic (PMID: 19940839).

Literature cited by the submitters: PubMed 19940839.